The following is an entry in ClinVar:

ClinVar aggregate classification (germline): Uncertain significance. Review status: criteria provided, multiple submitters, no conflicts (2 of 4 stars). 2 submissions from 2 submitters: Uncertain significance (2). Last evaluated 2026-02-17.

Conditions:
Inborn genetic diseases. Identifiers: MedGen C0950123, MeSH D030342.
Pallister-Hall syndrome (PHS). Also called: HYPOTHALAMIC HAMARTOBLASTOMA, HYPOPITUITARISM, IMPERFORATE ANUS, AND POSTAXIAL POLYDACTYLY; GLI3-Related Pallister-Hall Syndrome. Identifiers: Orphanet 672, MedGen C0265220, MONDO:0007804, OMIM 146510.
Greig cephalopolysyndactyly syndrome (GCPS). Also called: POLYSYNDACTYLY WITH PECULIAR SKULL SHAPE; Greig syndrome; GLI3-Related Greig Cephalopolysyndactyly Syndrome. Identifiers: Orphanet 380, MedGen C0265306, MONDO:0008287, OMIM 175700.

gnomAD v4.1: 4 of 1,613,800 alleles (0.00025%); highest among the groups gnomAD compares: Non-Finnish European, 0.00034%; no homozygotes.

Submissions (2):

Ambry Genetics
Classification: Uncertain significance for Inborn genetic diseases. Last evaluated: 2026-02-17. Review status: criteria provided, single submitter. Criteria: Ambry Variant Classification Scheme 2023. Collection method: clinical testing. Allele origin: germline.
Comment: The c.4144G>C (p.G1382R) alteration is located in exon 15 (coding exon 14) of the GLI3 gene. This alteration results from a G to C substitution at nucleotide position 4144, causing the glycine (G) at amino acid position 1382 to be replaced by an arginine (R). Based on data from gnomAD, the C allele has an overall frequency of <0.001% (1/250762) total alleles studied. The highest observed frequency was 0.001% (1/113262) of European (non-Finnish) alleles. Based on insufficient or conflicting evidence, the clinical significance of this alteration remains unclear.

Labcorp Genetics (formerly Invitae), Labcorp
Classification: Uncertain significance for Pallister-Hall syndrome; Greig cephalopolysyndactyly syndrome. Last evaluated: 2022-08-24. Review status: criteria provided, single submitter. Criteria: Invitae Variant Classification Sherloc (09022015). Collection method: clinical testing. Allele origin: germline.
Comment: In summary, the available evidence is currently insufficient to determine the role of this variant in disease. Therefore, it has been classified as a Variant of Uncertain Significance. Algorithms developed to predict the effect of missense changes on protein structure and function are either unavailable or do not agree on the potential impact of this missense change (SIFT: "Deleterious"; PolyPhen-2: "Benign"; Align-GVGD: "Class C0"). This variant has not been reported in the literature in individuals affected with GLI3-related conditions. This variant is present in population databases (no rsID available, gnomAD 0.0009%). This sequence change replaces glycine, which is neutral and non-polar, with arginine, which is basic and polar, at codon 1382 of the GLI3 protein (p.Gly1382Arg).

NM_000168.6(GLI3):c.4144G>C (p.Gly1382Arg)

Gene: GLI3 (GLI family zinc finger 3; minus strand). Cytogenetic location: 7p14.1.
Variant type: single nucleotide variant.
Coding change: c.4144G>C on transcript NM_000168.6 (MANE Select); coding-DNA position 4144, G replaced by C.
Protein change: p.Gly1382Arg; replaces glycine 1382 with arginine.
Molecular consequence: missense variant.
Genome position (GRCh38, 1-based): chr7:41,964,929, C>G on the plus strand (G>C on the coding strand, the complement: GLI3 is on the minus strand). VCF-style: chr7-41964929-C-G. GRCh37 (hg19) VCF-style: chr7-42004527-C-G.
Other names: c.4144G>C (NM_000168.5); short protein forms G1382R.
Identifiers: ClinVar variation 2051834 (VCV002051834.5), dbSNP rs1213743797, ClinGen allele CA367315668.